The following is an entry in ClinVar:

NM_001111.5(ADAR):c.968G>A (p.Gly323Asp)

Gene: ADAR (adenosine deaminase RNA specific; minus strand). Cytogenetic location: 1q21.3.
Variant type: single nucleotide variant.
Coding change: c.968G>A on transcript NM_001111.5 (MANE Select); coding-DNA position 968, G replaced by A.
Protein change: p.Gly323Asp; replaces glycine 323 with aspartic acid.
Molecular consequence: missense variant.
Genome position (GRCh38, 1-based): chr1:154,601,674, C>T on the plus strand (G>A on the coding strand, the complement: ADAR is on the minus strand). VCF-style: chr1-154601674-C-T. GRCh37 (hg19) VCF-style: chr1-154574150-C-T.
Other names: c.83G>A, p.Gly28Asp (NM_001025107.3, NM_001193495.2, NM_001365046.1 and 3 more transcripts); c.995G>A, p.Gly332Asp (NM_001365045.1); c.968G>A, p.Gly323Asp (NM_015840.4, NM_015841.4); short protein forms G28D, G332D, G323D.
Identifiers: ClinVar variation 2046318 (VCV002046318.4), dbSNP rs1208182879, ClinGen allele CA342599041.

ClinVar aggregate classification (germline): Uncertain significance (1 of 4 stars; one submission).

Conditions:
Symmetrical dyschromatosis of extremities (DSH). Also called: RETICULATE ACROPIGMENTATION OF DOHI; SYMMETRIC DYSCHROMATOSIS OF THE EXTREMITIES; DYSCHROMATOSIS SYMMETRICA HEREDITARIA 1; Dyschromatosis symmetrica hereditaria. Identifiers: Orphanet 41, MedGen C0406775, MONDO:0007483, OMIM 127400.
Aicardi-Goutieres syndrome 6 (AGS6). Identifiers: Orphanet 51, MedGen C3539013, MONDO:0014007, OMIM 615010.

Allele frequency attached by ClinVar (database versions not stated): gnomAD exomes below 0.00001.
gnomAD v4.1: 1 of 1,614,134 alleles (0.000062%); highest among the groups gnomAD compares: Admixed American, 0.0017%; no homozygotes.

Submission:

Labcorp Genetics (formerly Invitae), Labcorp
Classification: Uncertain significance for Aicardi-Goutieres syndrome 6; Symmetrical dyschromatosis of extremities. Last evaluated: 2025-01-24. Review status: criteria provided, single submitter. Criteria: Invitae Variant Classification Sherloc (09022015). Collection method: clinical testing. Allele origin: germline.
Comment: This sequence change replaces glycine, which is neutral and non-polar, with aspartic acid, which is acidic and polar, at codon 323 of the ADAR protein (p.Gly323Asp). This variant is not present in population databases (gnomAD no frequency). This variant has not been reported in the literature in individuals affected with ADAR-related conditions. ClinVar contains an entry for this variant (Variation ID: 2046318). Invitae Evidence Modeling of protein sequence and biophysical properties (such as structural, functional, and spatial information, amino acid conservation, physicochemical variation, residue mobility, and thermodynamic stability) has been performed for this missense variant. However, the output from this modeling did not meet the statistical confidence thresholds required to predict the impact of this variant on ADAR protein function. In summary, the available evidence is currently insufficient to determine the role of this variant in disease. Therefore, it has been classified as a Variant of Uncertain Significance.